The following is an entry in ClinVar:

ClinVar aggregate classification (germline): Uncertain significance (1 of 4 stars; one submission).

Conditions:
Cardiovascular phenotype. Identifiers: MedGen CN230736.

Submission:

Ambry Genetics
Classification: Uncertain significance for Cardiovascular phenotype. Last evaluated: 2025-02-04. Review status: criteria provided, single submitter. Criteria: Ambry Variant Classification Scheme 2023. Collection method: clinical testing. Allele origin: germline.
Comment: The p.K132E variant (also known as c.394A>G), located in coding exon 4 of the GPD1L gene, results from an A to G substitution at nucleotide position 394. The lysine at codon 132 is replaced by glutamic acid, an amino acid with similar properties. This amino acid position is conserved. In addition, this alteration is predicted to be tolerated by in silico analysis. Based on the available evidence, the clinical significance of this variant remains unclear.

NM_015141.4(GPD1L):c.394A>G (p.Lys132Glu)

Gene: GPD1L (glycerol-3-phosphate dehydrogenase 1 like; plus strand). Cytogenetic location: 3p22.3.
Variant type: single nucleotide variant.
Coding change: c.394A>G on transcript NM_015141.4 (MANE Select); coding-DNA position 394, A replaced by G.
Protein change: p.Lys132Glu; replaces lysine 132 with glutamic acid.
Molecular consequence: missense variant.
Genome position (GRCh38, 1-based): chr3:32,140,255, A>G. VCF-style: chr3-32140255-A-G. GRCh37 (hg19) VCF-style: chr3-32181747-A-G.
Other names: short protein forms K132E.
Identifiers: ClinVar variation 3854962 (VCV003854962.1).
Genomic context (GRCh38, chr3:32,140,255, plus strand): 5'-TTGTTCTCTCCTAACTTCTTGGCATCCTTGTAGGGCATAGACGAGGGCCCCGAGGGGCTG[A>G]AGCTCATTTCTGACATCATCCGTGAGAAGATGGGTATTGACATCAGTGTGCTGATGGGAG-3'
Protein context (NP_055956.1, residues 122-142): KGIDEGPEGL[Lys132Glu]LISDIIREKM